The following is an entry in ClinVar:

NM_020338.4(ZMIZ1):c.1273C>G (p.Pro425Ala)

Gene: ZMIZ1 (zinc finger MIZ-type containing 1; plus strand). Cytogenetic location: 10q22.3.
Variant type: single nucleotide variant.
Coding change: c.1273C>G on transcript NM_020338.4 (MANE Select); coding-DNA position 1273, C replaced by G.
Protein change: p.Pro425Ala; replaces proline 425 with alanine.
Molecular consequence: missense variant.
Genome position (GRCh38, 1-based): chr10:79,296,513, C>G. VCF-style: chr10-79296513-C-G. GRCh37 (hg19) VCF-style: chr10-81056270-C-G.
Other names: short protein forms P425A.
Identifiers: ClinVar variation 4781912 (VCV004781912.1).

ClinVar aggregate classification (germline): Uncertain significance (1 of 4 stars; one submission).

gnomAD v4.1: 3 of 1,614,076 alleles (0.00019%); highest among the groups gnomAD compares: South Asian, 0.0033%; no homozygotes.

Submission:

Labcorp Genetics (formerly Invitae), Labcorp
Classification: Uncertain significance. Last evaluated: 2025-10-02. Review status: criteria provided, single submitter. Criteria: Invitae Variant Classification Sherloc (09022015). Collection method: clinical testing. Allele origin: germline.
Comment: This sequence change replaces proline, which is neutral and non-polar, with alanine, which is neutral and non-polar, at codon 425 of the ZMIZ1 protein (p.Pro425Ala). This variant is not present in population databases (gnomAD no frequency). This variant has not been reported in the literature in individuals affected with ZMIZ1-related conditions. Invitae Evidence Modeling of protein sequence and biophysical properties (such as structural, functional, and spatial information, amino acid conservation, physicochemical variation, residue mobility, and thermodynamic stability) indicates that this missense variant is not expected to disrupt ZMIZ1 protein function with a negative predictive value of 95%. In summary, the available evidence is currently insufficient to determine the role of this variant in disease. Therefore, it has been classified as a Variant of Uncertain Significance.